The following is an entry in ClinVar:

NM_005546.4(ITK):c.1112G>A (p.Ser371Asn)

Gene: ITK (IL2 inducible T cell kinase; plus strand). Cytogenetic location: 5q33.3.
Variant type: single nucleotide variant.
Coding change: c.1112G>A on transcript NM_005546.4 (MANE Select); coding-DNA position 1112, G replaced by A.
Protein change: p.Ser371Asn; replaces serine 371 with asparagine.
Molecular consequence: missense variant.
Genome position (GRCh38, 1-based): chr5:157,243,674, G>A. VCF-style: chr5-157243674-G-A. GRCh37 (hg19) VCF-style: chr5-156670684-G-A.
Other names: short protein forms S371N.
Identifiers: ClinVar variation 3700147 (VCV003700147.2).
Genomic context (GRCh38, chr5:157,243,674, plus strand): 5'-CTCTTCCAGGGAAATGGGTGATCGACCCCTCAGAGCTCACTTTTGTGCAAGAGATTGGCA[G>A]TGGGCAATTTGGGTTGGTGCATCTGGGCTACTGGCTCAACAAGGACAAGGTGGCTATCAA-3'
Protein context (NP_005537.3, residues 361-381): SELTFVQEIG[Ser371Asn]GQFGLVHLGY

ClinVar aggregate classification (germline): Uncertain significance (1 of 4 stars; one submission).

Conditions:
Lymphoproliferative syndrome 1 (LPFS1). Identifiers: Orphanet 238505, Orphanet 538963, MedGen C3552634, MONDO:0013081, OMIM 613011.

Submission:

Labcorp Genetics (formerly Invitae), Labcorp
Classification: Uncertain significance for Lymphoproliferative syndrome 1. Last evaluated: 2025-06-11. Review status: criteria provided, single submitter. Criteria: Invitae Variant Classification Sherloc (09022015). Collection method: clinical testing. Allele origin: germline.
Comment: This sequence change replaces serine, which is neutral and polar, with asparagine, which is neutral and polar, at codon 371 of the ITK protein (p.Ser371Asn). This variant is not present in population databases (gnomAD no frequency). This variant has not been reported in the literature in individuals affected with ITK-related conditions. ClinVar contains an entry for this variant (Variation ID: 3700147). Invitae Evidence Modeling of protein sequence and biophysical properties (such as structural, functional, and spatial information, amino acid conservation, physicochemical variation, residue mobility, and thermodynamic stability) indicates that this missense variant is not expected to disrupt ITK protein function with a negative predictive value of 80%. In summary, the available evidence is currently insufficient to determine the role of this variant in disease. Therefore, it has been classified as a Variant of Uncertain Significance.